The following is an entry in ClinVar:

NM_001195263.2(PDZD7):c.2122C>T (p.Arg708Cys)

Gene: PDZD7 (PDZ domain containing 7; minus strand). Cytogenetic location: 10q24.31.
Variant type: single nucleotide variant.
Coding change: c.2122C>T on transcript NM_001195263.2 (MANE Select); coding-DNA position 2122, C replaced by T.
Protein change: p.Arg708Cys; replaces arginine 708 with cysteine.
Molecular consequence: missense variant.
Genome position (GRCh38, 1-based): chr10:101,010,767, G>A on the plus strand (C>T on the coding strand, the complement: PDZD7 is on the minus strand). VCF-style: chr10-101010767-G-A. GRCh37 (hg19) VCF-style: chr10-102770524-G-A.
Other names: short protein forms R708C.
Identifiers: ClinVar variation 860195 (VCV000860195.10), dbSNP rs1380221952, ClinGen allele CA378225183.
Genomic context (GRCh38, chr10:101,010,767, plus strand): 5'-GGGGGGTGAAGGCATCTACTGGCACGTCTTGTAGAGGGGGGATCCCTTTATGGGGGTGGC[G>A]AGGGGCAGAGGCACTTGGGGAGACCTTGAGGGCCCCCAGCCGCTCCCTCAGCTCCCCATT-3'
Protein context (NP_001182192.1, residues 698-718): LKVSPSASAP[Arg708Cys]HPHKGIPPLQ

ClinVar aggregate classification (germline): Uncertain significance (1 of 4 stars; one submission).

Allele frequency attached by ClinVar (database versions not stated): gnomAD exomes 0.00001.
gnomAD v4.1: 6 of 1,535,442 alleles (0.00039%); highest among the groups gnomAD compares: South Asian, 0.0048%; no homozygotes.

Submission:

Labcorp Genetics (formerly Invitae), Labcorp
Classification: Uncertain significance. Last evaluated: 2019-12-28. Review status: criteria provided, single submitter. Criteria: Invitae Variant Classification Sherloc (09022015). Collection method: clinical testing. Allele origin: germline.
Comment: In summary, the available evidence is currently insufficient to determine the role of this variant in disease. Therefore, it has been classified as a Variant of Uncertain Significance. This variant has not been reported in the literature in individuals with PDZD7-related conditions. Algorithms developed to predict the effect of missense changes on protein structure and function output the following: SIFT: "Deleterious"; PolyPhen-2: "Not Available"; Align-GVGD: "Class C0". The cysteine amino acid residue is found in multiple mammalian species, suggesting that this missense change does not adversely affect protein function. These predictions have not been confirmed by published functional studies and their clinical significance is uncertain. The frequency data for this variant in the population databases is considered unreliable, as metrics indicate insufficient coverage at this position in the ExAC database. This sequence change replaces arginine with cysteine at codon 708 of the PDZD7 protein (p.Arg708Cys). The arginine residue is weakly conserved and there is a large physicochemical difference between arginine and cysteine.